The following is an entry in ClinVar:

ClinVar aggregate classification (germline): Likely benign. Review status: criteria provided, multiple submitters, no conflicts (2 of 4 stars). 5 submissions from 5 submitters: Likely benign (5). Last evaluated 2026-01-20.

Conditions:
Melnick-Needles syndrome (MNS). Also called: Melnick-Needles Syndrome (FLNA-MNS); MELNICK-NEEDLES OSTEODYSPLASTY; OSTEODYSPLASTY OF MELNICK AND NEEDLES. Identifiers: Orphanet 2484, MedGen C0025237, MONDO:0010650, OMIM 309350.
Frontometaphyseal dysplasia (FMD1). Identifiers: Orphanet 1826, MedGen C0265293, MONDO:0015942.
Heterotopia, periventricular, X-linked dominant (PVNH1). Also called: X-linked periventricular heterotopia; PERIVENTRICULAR NODULAR HETEROTOPIA 4; HETEROTOPIA, PERIVENTRICULAR, 1; PERIVENTRICULAR NODULAR HETEROTOPIA 1. Identifiers: Orphanet 2149, Orphanet 82004, MedGen C1848213, MONDO:0010233, OMIM 300049.
Oto-palato-digital syndrome, type II (OPD2). Also called: Otopalatodigital Syndrome Type 2 (FLNA-OPD2); FACIOPALATOOSSEOUS SYNDROME; Otopalatodigital Syndrome, Type II; OPD II SYNDROME. Identifiers: Orphanet 669, Orphanet 90652, MedGen C1844696, MONDO:0010571, OMIM 304120.
Familial thoracic aortic aneurysm and aortic dissection (TAAD). Also called: Thoracic aortic aneurysms and dissections. Identifiers: Orphanet 91387, MedGen C4707243, MONDO:0019625.

Allele frequency attached by ClinVar (database versions not stated): gnomAD 0.00001; gnomAD exomes 0.00002 and 0.00003; TOPMed 0.00002; ExAC 0.00004; ESP Exome Variant Server 0.00010.
gnomAD v4.1: 23 of 1,209,642 alleles (0.0019%); highest among the groups gnomAD compares: Middle Eastern, 0.046%; no homozygotes.

Submissions (5):

Labcorp Genetics (formerly Invitae), Labcorp
Classification: Likely benign for Oto-palato-digital syndrome, type II; Heterotopia, periventricular, X-linked dominant; Frontometaphyseal dysplasia; Melnick-Needles syndrome. Last evaluated: 2026-01-20. Review status: criteria provided, single submitter. Criteria: Invitae Variant Classification Sherloc (09022015). Collection method: clinical testing. Allele origin: germline.

Mayo Clinic Laboratories, Mayo Clinic
Classification: Likely benign. Last evaluated: 2025-07-10. Review status: criteria provided, single submitter. Criteria: ACMG Guidelines, 2015. Collection method: clinical testing. Allele origin: germline. Observed: 1 variant allele.
Comment: BS2

Blueprint Genetics
Classification: Likely benign. Last evaluated: 2021-11-12. Review status: criteria provided, single submitter. Criteria: ACMG Guidelines, 2015. Collection method: clinical testing. Allele origin: germline.

GeneDx
Classification: Likely benign. Last evaluated: 2021-03-18. Review status: criteria provided, single submitter. Criteria: GeneDx Variant Classification Process June 2021. Collection method: clinical testing. Allele origin: germline. Affected: yes.

Ambry Genetics
Classification: Likely benign for Familial thoracic aortic aneurysm and aortic dissection. Last evaluated: 2019-08-12. Review status: criteria provided, single submitter. Criteria: Ambry Variant Classification Scheme 2023. Collection method: clinical testing. Allele origin: germline.

NM_001110556.2(FLNA):c.7835G>A (p.Arg2612Gln)

Genes: FLNA (filamin A; minus strand), LOC107988032 (Xq28 proximal FLNA-EMD recombination region; plus strand). Cytogenetic location: Xq28.
Variant type: single nucleotide variant.
Coding change: c.7835G>A on transcript NM_001110556.2 (MANE Select); coding-DNA position 7835, G replaced by A.
Protein change: p.Arg2612Gln; replaces arginine 2612 with glutamine.
Molecular consequence: missense variant.
Genome position (GRCh38, 1-based): chrX:154,348,958, C>T on the plus strand (G>A on the coding strand, the complement: FLNA is on the minus strand). VCF-style: chrX-154348958-C-T. GRCh37 (hg19) VCF-style: chrX-153577326-C-T.
Other names: p.Arg2604Gln; c.7811G>A, p.Arg2604Gln (NM_001456.4); short protein forms R2604Q, R2612Q.
Identifiers: ClinVar variation 589920 (VCV000589920.20), dbSNP rs200883457, ClinGen allele CA10559819.